The following is an entry in ClinVar:

ClinVar aggregate classification (germline): Uncertain significance (1 of 4 stars; one submission).

Conditions:
Congenital adrenal hyperplasia due to cytochrome P450 oxidoreductase deficiency. Also called: DISORDERED STEROIDOGENESIS DUE TO POR DEFICIENCY. Identifiers: Orphanet 95699, MedGen C1860042, MONDO:0013310, OMIM 613571.

Allele frequency attached by ClinVar (database versions not stated): ExAC 0.00003; gnomAD 0.00003; gnomAD exomes 0.00003; TOPMed 0.00005.
gnomAD v4.1: 56 of 1,613,418 alleles (0.0035%); highest among the groups gnomAD compares: African/African-American, 0.004%; no homozygotes.

Submission:

Labcorp Genetics (formerly Invitae), Labcorp
Classification: Uncertain significance for Congenital adrenal hyperplasia due to cytochrome P450 oxidoreductase deficiency. Last evaluated: 2022-03-04. Review status: criteria provided, single submitter. Criteria: Invitae Variant Classification Sherloc (09022015). Collection method: clinical testing. Allele origin: germline.
Comment: This sequence change replaces serine, which is neutral and polar, with proline, which is neutral and non-polar, at codon 102 of the POR protein (p.Ser102Pro). This variant is present in population databases (rs782804219, gnomAD 0.07%). This variant has not been reported in the literature in individuals affected with POR-related conditions. Algorithms developed to predict the effect of missense changes on protein structure and function are either unavailable or do not agree on the potential impact of this missense change (SIFT: "Deleterious"; PolyPhen-2: "Possibly Damaging"; Align-GVGD: "Class C0"). In summary, the available evidence is currently insufficient to determine the role of this variant in disease. Therefore, it has been classified as a Variant of Uncertain Significance.

NM_001395413.1(POR):c.295T>C (p.Ser99Pro)

Gene: POR (cytochrome p450 oxidoreductase; plus strand). Cytogenetic location: 7q11.23.
Variant type: single nucleotide variant.
Coding change: c.295T>C on transcript NM_001395413.1 (MANE Select); coding-DNA position 295, T replaced by C.
Protein change: p.Ser99Pro; replaces serine 99 with proline.
Molecular consequence: missense variant.
Genome position (GRCh38, 1-based): chr7:75,979,517, T>C. VCF-style: chr7-75979517-T-C. GRCh37 (hg19) VCF-style: chr7-75608835-T-C.
Other names: c.304T>C, p.Ser102Pro (NM_000941.3); c.295T>C, p.Ser99Pro (NM_001367562.3, NM_001382657.2, NM_001382658.3 and 2 more transcripts); c.349T>C, p.Ser117Pro (NM_001382655.3); short protein forms S117P, S99P, S102P.
Identifiers: ClinVar variation 2145018 (VCV002145018.1), dbSNP rs782804219, ClinGen allele CA4303578.